The following is an entry in ClinVar:

NM_133510.4(RAD51B):c.467C>T (p.Ala156Val)

Gene: RAD51B (RAD51 paralog B; plus strand). Cytogenetic location: 14q24.1.
Variant type: single nucleotide variant.
Coding change: c.467C>T on transcript NM_133510.4 (MANE Select); coding-DNA position 467, C replaced by T.
Protein change: p.Ala156Val; replaces alanine 156 with valine.
Molecular consequence: missense variant.
Genome position (GRCh38, 1-based): chr14:67,885,883, C>T. VCF-style: chr14-67885883-C-T. GRCh37 (hg19) VCF-style: chr14-68352600-C-T.
Other names: c.467C>T, p.Ala156Val (NM_001321809.2, NM_001321810.2, NM_001321812.1 and 6 more transcripts); c.353C>T, p.Ala118Val (NM_001321815.1); c.110C>T, p.Ala37Val (NM_001321817.2); short protein forms A118V, A156V, A37V.
Identifiers: ClinVar variation 3942266 (VCV003942266.1).
Genomic context (GRCh38, chr14:67,885,883, plus strand): 5'-AAGTAGAATTGACTGTTTTCGTTTGTGCTATTTTTTTCACCCACAGACTGGTTGAAATAG[C>T]AGAATCCCGTTTTCCCAGATATTTTAACACTGAAGAAAAGTTACTTTTGACAAGTAGTAA-3'
Protein context (NP_598194.1, residues 146-166): AFSAERLVEI[Ala156Val]ESRFPRYFNT

ClinVar aggregate classification (germline): Uncertain significance (1 of 4 stars; one submission).

gnomAD v4.1: 3 of 1,608,000 alleles (0.00019%); highest among the groups gnomAD compares: African/African-American, 0.0027%; no homozygotes.

Submission:

Ambry Genetics
Classification: Uncertain significance. Last evaluated: 2025-03-16. Review status: criteria provided, single submitter. Criteria: Ambry Variant Classification Scheme 2023. Collection method: clinical testing. Allele origin: germline.
Comment: The p.A156V variant (also known as c.467C>T), located in coding exon 5 of the RAD51B gene, results from a C to T substitution at nucleotide position 467. The alanine at codon 156 is replaced by valine, an amino acid with similar properties. This amino acid position is conserved. In addition, this alteration is predicted to be deleterious by in silico analysis. Based on the available evidence, the clinical significance of this variant remains unclear.